The following is an entry in ClinVar:

ClinVar aggregate classification (germline): Conflicting classifications of pathogenicity. Review status: criteria provided, conflicting classifications (1 of 4 stars). 2 submissions from 2 submitters: Uncertain significance (1); Likely benign (1). Last evaluated 2024-07-11.

Conditions:
Congenital muscular hypertrophy-cerebral syndrome (CDLS2). Also called: SMC1A-Related Cornelia de Lange Syndrome; Cornelia de Lange syndrome 2. Identifiers: Orphanet 199, MedGen C1802395, MONDO:0010370, OMIM 300590.

Allele frequency attached by ClinVar (database versions not stated): gnomAD 0.00001; TOPMed 0.00001.
gnomAD v4.1: 1 of 1,210,572 alleles (0.000083%); highest among the groups gnomAD compares: Non-Finnish European, 0.00011%; no homozygotes.

Submissions (2):

Labcorp Genetics (formerly Invitae), Labcorp
Classification: Likely benign for Congenital muscular hypertrophy-cerebral syndrome. Last evaluated: 2024-07-11. Review status: criteria provided, single submitter. Criteria: Invitae Variant Classification Sherloc (09022015). Collection method: clinical testing. Allele origin: germline.

Baylor Genetics
Classification: Uncertain significance for Congenital muscular hypertrophy-cerebral syndrome. Last evaluated: 2020-01-15. Review status: criteria provided, single submitter. Criteria: ACMG Guidelines, 2015. Collection method: clinical testing. Allele origin: unknown. Affected: yes.
Comment: This variant was determined to be of uncertain significance according to ACMG Guidelines, 2015 [PMID:25741868].

NM_006306.4(SMC1A):c.1911+7A>G

Gene: SMC1A (structural maintenance of chromosomes 1A; minus strand). Cytogenetic location: Xp11.22.
Variant type: single nucleotide variant.
Coding change: c.1911+7A>G on transcript NM_006306.4 (MANE Select); 7 bases into the intron after coding-DNA position 1911, A replaced by G.
Molecular consequence: intron variant.
Genome position (GRCh38, 1-based): chrX:53,405,486, T>C on the plus strand (A>G on the coding strand, the complement: SMC1A is on the minus strand). VCF-style: chrX-53405486-T-C. GRCh37 (hg19) VCF-style: chrX-53432418-T-C.
Other names: c.1845+7A>G (NM_001281463.1).
Identifiers: ClinVar variation 1029034 (VCV001029034.6), dbSNP rs2075687773, ClinGen allele CA1133178654.
Genomic context (GRCh38, chrX:53,405,486, plus strand): 5'-GAAGCTGAACAAATGAATCTCCAGTACTGAGCCTGTCCAGCTCCAGCCTGGGCAAGGGAA[T>C]CCACACCTTGTGGCGCTGGTGGCCTCCAAAGGCAATGCGGCGGGCATCTTCCACGTTGTC-3'